The following is an entry in ClinVar:

NM_000493.4(COL10A1):c.737T>C (p.Ile246Thr)

Genes: COL10A1 (collagen type X alpha 1 chain; minus strand), NT5DC1 (5'-nucleotidase domain containing 1; plus strand). Cytogenetic location: 6q22.1.
Variant type: single nucleotide variant.
Coding change: c.737T>C on transcript NM_000493.4 (MANE Select); coding-DNA position 737, T replaced by C.
Protein change: p.Ile246Thr; replaces isoleucine 246 with threonine.
Molecular consequence: missense variant. On other transcripts: intron variant (1).
Genome position (GRCh38, 1-based): chr6:116,121,379, A>G on the plus strand (T>C on the coding strand, the complement: COL10A1 is on the minus strand). VCF-style: chr6-116121379-A-G. GRCh37 (hg19) VCF-style: chr6-116442542-A-G.
Other names: c.737T>C, p.Ile246Thr (NM_001424106.1, NM_001424107.1); c.529+3434A>G (NM_152729.3); short protein forms I246T.
Identifiers: ClinVar variation 1462145 (VCV001462145.9), dbSNP rs764388204, ClinGen allele CA3968333.
Genomic context (GRCh38, chr6:116,121,379, plus strand): 5'-GGCTTTCCAATGCCTTCTGGCCCTCGTTCCCCAGGAGGGCCTTGGGGACCTGGTGGGCCA[A>G]TTGGTCCCATTTCTCCCGGAAAACCTCTATCACCTTTGATGCCTGGCTGTCCTGGAACCC-3'
Protein context (NP_000484.2, residues 236-256): DRGFPGEMGP[Ile246Thr]GPPGPQGPPG

ClinVar aggregate classification (germline): Conflicting classifications of pathogenicity. Review status: criteria provided, conflicting classifications (1 of 4 stars). 3 submissions from 3 submitters: Uncertain significance (1); Benign (1); Likely benign (1). Last evaluated 2025-03-17.

Conditions:
Inborn genetic diseases. Identifiers: MedGen C0950123, MeSH D030342.

Allele frequency attached by ClinVar (database versions not stated): gnomAD exomes 0.00004; ExAC 0.00005; gnomAD 0.00005 and 0.00006.
gnomAD v4.1: 62 of 1,613,446 alleles (0.0038%); highest among the groups gnomAD compares: Non-Finnish European, 0.005%; no homozygotes.

Submissions (3):

Labcorp Genetics (formerly Invitae), Labcorp
Classification: Benign. Last evaluated: 2025-03-17. Review status: criteria provided, single submitter. Criteria: Invitae Variant Classification Sherloc (09022015). Collection method: clinical testing. Allele origin: germline.

Women's Health and Genetics/Laboratory Corporation of America, LabCorp
Classification: Uncertain significance. Last evaluated: 2023-10-17. Review status: criteria provided, single submitter. Criteria: LabCorp Variant Classification Summary - May 2015. Collection method: clinical testing. Allele origin: germline.
Comment: Variant summary: COL10A1 c.737T>C (p.Ile246Thr) results in a non-conservative amino acid change in the encoded protein sequence. Four of five in-silico tools predict a benign effect of the variant on protein function. The variant allele was found at a frequency of 4.4e-05 in 251246 control chromosomes. This frequency does not allow conclusions about variant significance. To our knowledge, no occurrence of c.737T>C in individuals affected with Metaphyseal Chondrodysplasia, Schmid Type and no experimental evidence demonstrating its impact on protein function have been reported. This variant has been reported as inherited from the father in an individual in whom a de-novo causative variant in a different gene (MAFB) was attributed to a diagnosis of multicentric carpotarsal osteolysis syndrome (MCTO) (Stajkovska_2018), supporting a non-causative role of this COL10A1 variant. Predominantly, nonsense and frameshift mutations in the COL10A1 gene associated with a gain of function effect have been associated with human and mouse models of metaphyseal chondrodysplasia type Schmid (OMIM database). The following publication have been ascertained in the context of this evaluation (PMID: 29675035). One submitter has cited clinical-significance assessments for this variant to ClinVar after 2014 and has classified the variant as benign. Based on the evidence outlined above, the variant was classified as VUS-possibly benign.

Ambry Genetics
Classification: Likely benign for Inborn genetic diseases. Last evaluated: 2023-08-28. Review status: criteria provided, single submitter. Criteria: Ambry Variant Classification Scheme 2023. Collection method: clinical testing. Allele origin: germline.

Literature cited by the submitters: PubMed 29675035 (cited by Women's Health and Genetics/Laboratory Corporation of America, LabCorp).